The following is an entry in ClinVar:

ClinVar aggregate classification (germline): Uncertain significance (1 of 4 stars; one submission).

Conditions:
Inborn genetic diseases. Identifiers: MedGen C0950123, MeSH D030342.

Submission:

Ambry Genetics
Classification: Uncertain significance for Inborn genetic diseases. Last evaluated: 2025-07-28. Review status: criteria provided, single submitter. Criteria: Ambry Variant Classification Scheme 2023. Collection method: clinical testing. Allele origin: germline.
Comment: The p.V881I variant (also known as c.2641G>A), located in coding exon 27 of the RTEL1 gene, results from a G to A substitution at nucleotide position 2641. The valine at codon 881 is replaced by isoleucine, an amino acid with highly similar properties. This amino acid position is conserved. In addition, this alteration is predicted to be tolerated by in silico analysis. Based on the available evidence, the clinical significance of this variant remains unclear.

NM_001283009.2(RTEL1):c.2641G>A (p.Val881Ile)

Genes: RTEL1 (regulator of telomere elongation helicase 1; plus strand), RTEL1-TNFRSF6B (RTEL1-TNFRSF6B readthrough (NMD candidate); plus strand). Cytogenetic location: 20q13.33.
Variant type: single nucleotide variant.
Coding change: c.2641G>A on transcript NM_001283009.2 (MANE Select); coding-DNA position 2641, G replaced by A.
Protein change: p.Val881Ile; replaces valine 881 with isoleucine.
Molecular consequence: missense variant. On other transcripts: non-coding transcript variant (1).
Genome position (GRCh38, 1-based): chr20:63,691,826, G>A. VCF-style: chr20-63691826-G-A. GRCh37 (hg19) VCF-style: chr20-62323179-G-A.
Other names: c.1972G>A, p.Val658Ile (NM_001283010.1); c.2641G>A, p.Val881Ile (NM_016434.4); c.2713G>A, p.Val905Ile (NM_032957.5); short protein forms V905I, V881I, V658I.
Identifiers: ClinVar variation 4157622 (VCV004157622.1).